The following is an entry in ClinVar:

ClinVar aggregate classification (germline): Uncertain significance (1 of 4 stars; one submission).

Conditions:
Primary dilated cardiomyopathy (DCM). Also called: Dilated Cardiomyopathy. Identifiers: Orphanet 217604, MedGen C0007193, MeSH D002311, MONDO:0005021, HP:0001644. Inheritance: Various modes of inheritance.
Hypertrophic cardiomyopathy. Also called: HYPERTROPHIC MYOCARDIOPATHY. Identifiers: Orphanet 217569, MedGen C0007194, MeSH D002312, MONDO:0005045, HP:0001639.

Allele frequency attached by ClinVar (database versions not stated): gnomAD exomes below 0.00001 and 0.00001; TOPMed below 0.00001; ExAC 0.00001; gnomAD 0.00001.
gnomAD v4.1: 3 of 1,614,076 alleles (0.00019%); highest among the groups gnomAD compares: African/African-American, 0.0027%; no homozygotes.

Submission:

Labcorp Genetics (formerly Invitae), Labcorp
Classification: Uncertain significance for Hypertrophic cardiomyopathy; Primary dilated cardiomyopathy. Last evaluated: 2024-01-17. Review status: criteria provided, single submitter. Criteria: Invitae Variant Classification Sherloc (09022015). Collection method: clinical testing. Allele origin: germline.
Comment: This sequence change replaces isoleucine, which is neutral and non-polar, with valine, which is neutral and non-polar, at codon 52 of the PDLIM3 protein (p.Ile52Val). This variant is present in population databases (rs752432016, gnomAD 0.008%). This variant has not been reported in the literature in individuals affected with PDLIM3-related conditions. ClinVar contains an entry for this variant (Variation ID: 1490418). Advanced modeling of protein sequence and biophysical properties (such as structural, functional, and spatial information, amino acid conservation, physicochemical variation, residue mobility, and thermodynamic stability) performed at Invitae indicates that this missense variant is not expected to disrupt PDLIM3 protein function with a negative predictive value of 80%. In summary, the available evidence is currently insufficient to determine the role of this variant in disease. Therefore, it has been classified as a Variant of Uncertain Significance.

NM_014476.6(PDLIM3):c.154A>G (p.Ile52Val)

Gene: PDLIM3 (PDZ and LIM domain 3; minus strand). Cytogenetic location: 4q35.1.
Variant type: single nucleotide variant.
Coding change: c.154A>G on transcript NM_014476.6 (MANE Select); coding-DNA position 154, A replaced by G.
Protein change: p.Ile52Val; replaces isoleucine 52 with valine.
Molecular consequence: missense variant. On other transcripts: non-coding transcript variant (1), intron variant (1).
Genome position (GRCh38, 1-based): chr4:185,525,111, T>C on the plus strand (A>G on the coding strand, the complement: PDLIM3 is on the minus strand). VCF-style: chr4-185525111-T-C. GRCh37 (hg19) VCF-style: chr4-186446265-T-C.
Other names: c.154A>G, p.Ile52Val (NM_001114107.5, NM_001257962.2); c.93+10231A>G (NM_001257963.2); short protein forms I52V.
Identifiers: ClinVar variation 1490418 (VCV001490418.6), dbSNP rs752432016, ClinGen allele CA3159895.